The following is an entry in ClinVar:

NM_000051.4(ATM):c.5152_5160dup (p.Asn1720_Thr1721insLeuAsnAsn)

Gene: ATM (ATM serine/threonine kinase; plus strand). Cytogenetic location: 11q22.3.
Variant type: Duplication.
Coding change: c.5152_5160dup on transcript NM_000051.4 (MANE Select); coding-DNA positions 5152 to 5160, 9 bases duplicated (CTGAATAAC; older notation c.5152_5160dupCTGAATAAC).
Protein change: p.Asn1720_Thr1721insLeuAsnAsn.
Molecular consequence: inframe insertion.
Genome position (GRCh38, 1-based): chr11:108,299,860-108,299,868, CTGAATAAC duplicated; duplicating any 9 consecutive bases within chr11:108,299,858-108,299,868 gives the same sequence; the c. name uses the placement nearest the transcript's 3' end. VCF-style (leftmost placement, unchanged base first): chr11-108299857-T-TACCTGAATA. GRCh37 (hg19) VCF-style: chr11-108170584-T-TACCTGAATA.
Other names: c.5152_5160dup, p.Asn1720_Thr1721insLeuAsnAsn (NM_001351834.2).
Identifiers: ClinVar variation 2831537 (VCV002831537.3), dbSNP rs2546965595, ClinGen allele CA2739270913.

ClinVar aggregate classification (germline): Uncertain significance (1 of 4 stars; one submission).

Conditions:
Ataxia-telangiectasia syndrome (AT). Also called: LOUIS-BAR SYNDROME; Ataxia-telangiectasia, complementation group D; ATAXIA-TELANGIECTASIA, COMPLEMENTATION GROUP A; ATAXIA-TELANGIECTASIA, FRESNO VARIANT; Ataxia-telangiectasia; Ataxia telangiectasia (A-T). Identifiers: Orphanet 100, MedGen C0004135, MONDO:0008840, OMIM 208900.

Submission:

Labcorp Genetics (formerly Invitae), Labcorp
Classification: Uncertain significance for Ataxia-telangiectasia syndrome. Last evaluated: 2023-01-24. Review status: criteria provided, single submitter. Criteria: Invitae Variant Classification Sherloc (09022015). Collection method: clinical testing. Allele origin: germline.
Comment: This variant, c.5152_5160dup, results in the insertion of 3 amino acid(s) of the ATM protein (p.Leu1718_Asn1720dup), but otherwise preserves the integrity of the reading frame. This variant is not present in population databases (gnomAD no frequency). This variant has not been reported in the literature in individuals affected with ATM-related conditions. In summary, the available evidence is currently insufficient to determine the role of this variant in disease. Therefore, it has been classified as a Variant of Uncertain Significance.